The following is an entry in ClinVar:

ClinVar aggregate classification (germline): Pathogenic. Review status: criteria provided, single submitter (1 of 4 stars). 2 submissions from 2 submitters: Pathogenic (1). 1 of the submissions does not count toward it. Last evaluated 2019-07-03.

Conditions:
Ehlers-Danlos syndrome, type 4 (EDSVASC). Also called: Ehlers-Danlos syndrome vascular type; Ehlers Danlos syndrome, ecchymotic type; Ehlers Danlos syndrome, arterial type; Ehlers Danlos syndrome, Sack-Barabas type; Ehlers-Danlos Syndrome Type IV. Identifiers: Orphanet 286, MedGen C0268338, MONDO:0017314, OMIM 130050.
Familial thoracic aortic aneurysm and aortic dissection (TAAD). Also called: Thoracic aortic aneurysms and dissections. Identifiers: Orphanet 91387, MedGen C4707243, MONDO:0019625.

Submissions (2):

Ambry Genetics
Classification: Pathogenic for Familial thoracic aortic aneurysm and aortic dissection. Last evaluated: 2019-07-03. Review status: criteria provided, single submitter. Criteria: Ambry Variant Classification Scheme 2023. Collection method: clinical testing. Allele origin: germline.
Comment: The p.G222V pathogenic mutation (also known as c.665G>T), located in coding exon 8 of the COL3A1 gene, results from a G to T substitution at nucleotide position 665. The glycine at codon 222 is replaced by valine, an amino acid with dissimilar properties. The majority (approximately two-thirds) of COL3A1 mutations identified to date have involved the substitution of another amino acid for glycine within the triple-helical domain (Pepin MG et al. Genet Med. 2014;16(12):881-8; Frank M et al. Eur J Hum Genet. 2015;23(12):1657-64). This particular glycine substitution has been reported in several Ehlers-Danlos syndrome type IV (vascular type) cohorts (Morissette R et al. Circ Cardiovasc Genet, 2014 Feb;7:80-8; Pepin MG et al. Genet. Med., 2014 Dec;16:881-8; Shalhub S et al. J. Vasc. Surg., 2014 Jul;60:160-9; Shalhub S et al. Am. J. Med. Genet. A, 2019 May;179:797-802). Internal structural analysis has demonstrated that this variant disrupts the characteristic G-X-Y motif in the COL3A1 protein and inserts a bulky side chain into a sterically-constrained region (Bella J et al. Science. 1994;266:75-81; Hohenester E et al. Proc. Natl. Acad. Sci. U.S.A. 2008;105:18273-7; Ambry internal data). A pathogenic variant in the same codon, p.G222D, has also been described (Ferr&eacute; FC et al. BMJ Open. 2012;2:e000705). Based on the supporting evidence, this alteration is interpreted as a disease-causing mutation.

Collagen Diagnostic Laboratory, University of Washington
Classification: Pathogenic for Ehlers-Danlos syndrome, type 4. Review status: no assertion criteria provided. Collection method: clinical testing. Allele origin: germline. Affected: yes. Not counted in ClinVar's aggregate classification.

Literature cited by the submitters: PubMed 24399159 (cited by Ambry Genetics); PubMed 24650746 (cited by Ambry Genetics); PubMed 24922459 (cited by Ambry Genetics); PubMed 30793832 (cited by Ambry Genetics).

NM_000090.4(COL3A1):c.665G>T (p.Gly222Val)

Gene: COL3A1 (collagen type III alpha 1 chain; plus strand). Cytogenetic location: 2q32.2.
Variant type: single nucleotide variant.
Coding change: c.665G>T on transcript NM_000090.4 (MANE Select); coding-DNA position 665, G replaced by T.
Protein change: p.Gly222Val; replaces glycine 222 with valine.
Molecular consequence: missense variant.
Genome position (GRCh38, 1-based): chr2:188,989,424, G>T. VCF-style: chr2-188989424-G-T. GRCh37 (hg19) VCF-style: chr2-189854150-G-T.
Identifiers: ClinVar variation 101218 (VCV000101218.4), dbSNP rs587779518, ClinGen allele CA007226.